The following is an entry in ClinVar:

ClinVar aggregate classification (germline): Uncertain significance (1 of 4 stars; one submission).

Submission:

Labcorp Genetics (formerly Invitae), Labcorp
Classification: Uncertain significance. Last evaluated: 2024-05-02. Review status: criteria provided, single submitter. Criteria: Invitae Variant Classification Sherloc (09022015). Collection method: clinical testing. Allele origin: germline.
Comment: This sequence change replaces glutamine, which is neutral and polar, with glutamic acid, which is acidic and polar, at codon 19 of the FOCAD protein (p.Gln19Glu). This variant is not present in population databases (gnomAD no frequency). This variant has not been reported in the literature in individuals affected with FOCAD-related conditions. Experimental studies and prediction algorithms are not available or were not evaluated, and the functional significance of this variant is currently unknown. In summary, the available evidence is currently insufficient to determine the role of this variant in disease. Therefore, it has been classified as a Variant of Uncertain Significance.

NM_001375567.1(FOCAD):c.55C>G (p.Gln19Glu)

Gene: FOCAD (focadhesin; plus strand). Cytogenetic location: 9p21.3.
Variant type: single nucleotide variant.
Coding change: c.55C>G on transcript NM_001375567.1 (MANE Select); coding-DNA position 55, C replaced by G.
Protein change: p.Gln19Glu; replaces glutamine 19 with glutamic acid.
Molecular consequence: missense variant.
Genome position (GRCh38, 1-based): chr9:20,715,408, C>G. VCF-style: chr9-20715408-C-G. GRCh37 (hg19) VCF-style: chr9-20715407-C-G.
Other names: c.55C>G, p.Gln19Glu (NM_001375568.1, NM_001375570.1, NM_017794.5); short protein forms Q19E.
Identifiers: ClinVar variation 3651916 (VCV003651916.2).